The following is an entry in ClinVar:

NM_000548.5(TSC2):c.-30+25_-30+45del

Genes: TSC2 (TSC complex subunit 2; plus strand), LOC130058210 (ATAC-STARR-seq lymphoblastoid silent region 7024; plus strand). Cytogenetic location: 16p13.3.
Variant type: Microsatellite.
Coding change: c.-30+25_-30+45del on transcript NM_000548.5 (MANE Select); bases 25 to 45 of the intron after 30 bases upstream of the start codon, 21 bases deleted (AGTGGCGGTCCCCACGGGGCA).
Molecular consequence: intron variant.
Genome position (GRCh38, 1-based): chr16:2,048,090-2,048,110, AGTGGCGGTCCCCACGGGGCA deleted; deleting any 21 consecutive bases within chr16:2,048,068-2,048,110 gives the same sequence; the c. name uses the placement nearest the transcript's 3' end. VCF-style (leftmost placement, unchanged base first): chr16-2048067-TAAGTGGCGGTCCCCACGGGGC-T. GRCh37 (hg19) VCF-style: chr16-2098068-TAAGTGGCGGTCCCCACGGGGC-T.
Other names: c.-30+25_-30+45del (NM_001114382.3, NM_021055.3, NM_001370405.1 and 4 more transcripts); c.-256+25_-256+45del (NM_001318831.2); c.-10+25_-10+45del (NM_001318829.2).
Identifiers: ClinVar variation 670053 (VCV000670053.3), dbSNP rs565651015, ClinGen allele CA276767126.

ClinVar aggregate classification (germline): Benign/Likely benign. Review status: criteria provided, multiple submitters, no conflicts (2 of 4 stars). 3 submissions from 3 submitters: Benign (1); Likely benign (2). Last evaluated 2024-11-27.

Conditions:
Hereditary cancer-predisposing syndrome. Also called: Tumor predisposition; Hereditary neoplastic syndrome; Hereditary Cancer Syndrome; Neoplastic Syndromes, Hereditary. Identifiers: Orphanet 140162, MedGen C0027672, MeSH D009386, MONDO:0015356.

Submissions (3):

Blueprint Genetics
Classification: Likely benign. Last evaluated: 2024-11-27. Review status: criteria provided, single submitter. Criteria: ACMG Guidelines, 2015. Collection method: clinical testing. Allele origin: germline.

Sema4
Classification: Benign for Hereditary cancer-predisposing syndrome. Last evaluated: 2020-10-09. Review status: criteria provided, single submitter. Criteria: Sema4 Curation Guidelines. Collection method: curation. Allele origin: germline.

GeneDx
Classification: Likely benign. Last evaluated: 2018-06-18. Review status: criteria provided, single submitter. Criteria: GeneDx Variant Classification (06012015). Collection method: clinical testing. Allele origin: germline. Affected: yes.
Comment: This variant is considered likely benign or benign based on one or more of the following criteria: it is a conservative change, it occurs at a poorly conserved position in the protein, it is predicted to be benign by multiple in silico algorithms, and/or has population frequency not consistent with disease.